The following is an entry in ClinVar:

NM_015909.4(NBAS):c.4255del (p.Ser1419fs)

Gene: NBAS (NBAS subunit of NRZ tethering complex; minus strand). Cytogenetic location: 2p24.3.
Variant type: Deletion.
Coding change: c.4255del on transcript NM_015909.4 (MANE Select); coding-DNA position 4255, one base deleted (T; older notation c.4255delT).
Protein change: p.Ser1419fs; shifts the reading frame from serine 1419.
Molecular consequence: frameshift variant. On other transcripts: non-coding transcript variant (1).
Genome position (GRCh38, 1-based): chr2:15,330,690, A deleted on the plus strand (T on the coding strand, the reverse complement: NBAS is on the minus strand); the first of 3 consecutive A bases (chr2:15,330,690-15,330,692); deleting any one gives the same sequence. VCF-style (leftmost placement, unchanged base first): chr2-15330689-GA-G. GRCh37 (hg19) VCF-style: chr2-15470813-GA-G.
Other names: short protein forms S1419fs.
Identifiers: ClinVar variation 2441821 (VCV002441821.3), dbSNP rs768154511, ClinGen allele CA1535725.

ClinVar aggregate classification (germline): Pathogenic. Review status: criteria provided, multiple submitters, no conflicts (2 of 4 stars). 4 submissions from 3 submitters: Pathogenic (4). Last evaluated 2026-02-11.

Conditions:
Infantile liver failure syndrome 2 (ILFS2). Identifiers: MedGen C3809651, MONDO:0014659, OMIM 616483.
Short stature-optic atrophy-Pelger-Huët anomaly syndrome. Also called: Short stature-optic atrophy-Pelger-HuC+t anomaly syndrome; Short stature, optic nerve atrophy, and Pelger-Huet anomaly. Identifiers: Orphanet 391677, MedGen C3541319, MONDO:0013889, OMIM 614800.
Optic neuropathy. Also called: Optic nerve disorder. Identifiers: MedGen C3887709, MONDO:0002135, HP:0001138.

Submissions (4):

Genetics Laboratory, Great Ormond Street Hospital NHS Foundation Trust, North Thames Genomic Laboratory Hub
Classification: Pathogenic for Optic neuropathy. Last evaluated: 2026-02-11. Review status: criteria provided, single submitter. Criteria: ACGS Best Practice Guidelines for Variant Classification in Rare Disease 2024 v1.2. Collection method: clinical testing. Allele origin: germline. Affected: yes.
Comment: PM2_moderate, PVS1_very-strong

Labcorp Genetics (formerly Invitae), Labcorp
Classification: Pathogenic. Last evaluated: 2025-10-14. Review status: criteria provided, single submitter. Criteria: Invitae Variant Classification Sherloc (09022015). Collection method: clinical testing. Allele origin: germline.
Comment: This sequence change creates a premature translational stop signal (p.Ser1419Profs*24) in the NBAS gene. It is expected to result in an absent or disrupted protein product. Loss-of-function variants in NBAS are known to be pathogenic (PMID: 26073778, 26541327, 27789416, 28031453). This variant is present in population databases (rs768154511, gnomAD 0.01%). This variant has not been reported in the literature in individuals affected with NBAS-related conditions. ClinVar contains an entry for this variant (Variation ID: 2441821). For these reasons, this variant has been classified as Pathogenic.

Baylor Genetics
Classification: Pathogenic for Short stature-optic atrophy-Pelger-Huët anomaly syndrome. Last evaluated: 2022-11-28. Review status: criteria provided, single submitter. Criteria: ACMG Guidelines, 2015. Collection method: clinical testing. Allele origin: unknown.

Baylor Genetics
Classification: Pathogenic for Infantile liver failure syndrome 2. Last evaluated: 2022-11-28. Review status: criteria provided, single submitter. Criteria: ACMG Guidelines, 2015. Collection method: clinical testing. Allele origin: unknown.

Literature cited by the submitters: PubMed 26073778 (cited by Labcorp Genetics (formerly Invitae), Labcorp); PubMed 26541327 (cited by Labcorp Genetics (formerly Invitae), Labcorp); PubMed 27789416 (cited by Labcorp Genetics (formerly Invitae), Labcorp); PubMed 28031453 (cited by Labcorp Genetics (formerly Invitae), Labcorp).